The following is an entry in ClinVar:

ClinVar aggregate classification (germline): Likely benign. Review status: criteria provided, multiple submitters, no conflicts (2 of 4 stars). 2 submissions from 2 submitters: Likely benign (2). Last evaluated 2025-07-01.

Conditions:
Cardiovascular phenotype. Identifiers: MedGen CN230736.

Allele frequency attached by ClinVar (database versions not stated): TOPMed below 0.00001; gnomAD 0.00001; ExAC 0.00003.
gnomAD v4.1: 39 of 1,613,560 alleles (0.0024%); highest among the groups gnomAD compares: Middle Eastern, 0.36%; 1 homozygote.

Submissions (2):

CeGaT Center for Human Genetics Tuebingen
Classification: Likely benign. Last evaluated: 2025-07-01. Review status: criteria provided, single submitter. Criteria: CeGaT Center For Human Genetics Tuebingen Variant Classification Criteria Version 2. Collection method: clinical testing. Allele origin: germline. Affected: yes. Observed: 1 variant allele.
Comment: EPHB4: BP4, BP7

Ambry Genetics
Classification: Likely benign for Cardiovascular phenotype. Last evaluated: 2019-10-20. Review status: criteria provided, single submitter. Criteria: Ambry Variant Classification Scheme 2023. Collection method: clinical testing. Allele origin: germline.

NM_004444.5(EPHB4):c.285C>T (p.Leu95=)

Gene: EPHB4 (EPH receptor B4; minus strand). Cytogenetic location: 7q22.1.
Variant type: single nucleotide variant.
Coding change: c.285C>T on transcript NM_004444.5 (MANE Select); coding-DNA position 285, C replaced by T.
Protein change: p.Leu95=; no amino-acid change (leucine 95 retained).
Molecular consequence: synonymous variant.
Genome position (GRCh38, 1-based): chr7:100,823,770, G>A on the plus strand (C>T on the coding strand, the complement: EPHB4 is on the minus strand). VCF-style: chr7-100823770-G-A. GRCh37 (hg19) VCF-style: chr7-100421392-G-A.
Identifiers: ClinVar variation 1796928 (VCV001796928.10), dbSNP rs762471581, ClinGen allele CA4393348.